The following is an entry in ClinVar:

ClinVar aggregate classification (germline): Pathogenic (1 of 4 stars; one submission).

Conditions:
Abetalipoproteinaemia (ABL). Also called: MTP DEFICIENCY; Abetalipoproteinemia; Abetalipoproteinemia neuropathy; Apolipoprotein B deficiency; Congenital betalipoprotein deficiency syndrome. Identifiers: Orphanet 14, MedGen C0000744, MONDO:0008692, OMIM 200100, HP:0008181.

Submission:

Myriad Genetics, Inc.
Classification: Pathogenic for Abetalipoproteinaemia. Last evaluated: 2023-09-07. Review status: criteria provided, single submitter. Criteria: Myriad Autosomal Dominant, Autosomal Recessive and X-Linked Classification Criteria (2023). Collection method: clinical testing. Allele origin: unknown.
Comment: NM_000253.2(MTTP):c.1449dupA(E484Rfs*29) is expected to be pathogenic in the context of abetalipoproteinemia. This variant is predicted to lead to an abnormal or absent protein product due to the creation of a premature termination codon in MTTP, a gene where loss-of-function variants are known to be pathogenic. Please note: this variant was assessed in the context of healthy population screening.

NM_001386140.1(MTTP):c.1449dup (p.Glu484fs)

Gene: MTTP (microsomal triglyceride transfer protein; plus strand). Cytogenetic location: 4q23.
Variant type: Duplication.
Coding change: c.1449dup on transcript NM_001386140.1 (MANE Select); coding-DNA position 1449, one base duplicated (A; older notation c.1449dupA).
Protein change: p.Glu484fs; shifts the reading frame from glutamic acid 484.
Molecular consequence: frameshift variant.
Genome position (GRCh38, 1-based): chr4:99,606,852, A duplicated. VCF-style (leftmost placement, unchanged base first): chr4-99606851-C-CA. GRCh37 (hg19) VCF-style: chr4-100528008-C-CA.
Other names: c.1449dup, p.Glu484fs (NM_000253.4); c.1200dup, p.Glu401fs (NM_001300785.2); short protein forms E401fs, E484fs.
Identifiers: ClinVar variation 5011590 (VCV005011590.1).